The following is an entry in ClinVar:

NM_199242.3(UNC13D):c.2091+2_2091+3dup

Gene: UNC13D (unc-13 homolog D; minus strand). Cytogenetic location: 17q25.1.
Variant type: Duplication.
Coding change: c.2091+2_2091+3dup on transcript NM_199242.3 (MANE Select); the canonical splice donor site of the intron after coding-DNA position 2091 through 3 bases into the intron after coding-DNA position 2091, 2 bases duplicated (TA; older notation c.2091+2_2091+3dupTA).
Molecular consequence: splice donor variant.
Genome position (GRCh38, 1-based): chr17:75,834,615-75,834,616, TA duplicated on the plus strand (TA on the coding strand, the reverse complement: UNC13D is on the minus strand). VCF-style (leftmost placement, unchanged base first): chr17-75834614-T-TTA. GRCh37 (hg19) VCF-style: chr17-73830695-T-TTA.
Identifiers: ClinVar variation 944427 (VCV000944427.27), dbSNP rs778809705, ClinGen allele CA8772673.

ClinVar aggregate classification (germline): Uncertain significance. Review status: criteria provided, multiple submitters, no conflicts (2 of 4 stars). 2 submissions from 2 submitters: Uncertain significance (2). Last evaluated 2024-01-01.

Conditions:
Familial hemophagocytic lymphohistiocytosis 3 (FHL3). Also called: UNC13D-Related Familial Hemophagocytic Lymphohistiocytosis (UNC13D-fHLH). Identifiers: Orphanet 540, MedGen C1837174, MONDO:0012146, OMIM 608898.

Allele frequency attached by ClinVar (database versions not stated): gnomAD exomes below 0.00001 and 0.00001; ExAC 0.00001; gnomAD 0.00001; 1000 Genomes Project 30x 0.00031.

Submissions (2):

CeGaT Center for Human Genetics Tuebingen
Classification: Uncertain significance. Last evaluated: 2024-01-01. Review status: criteria provided, single submitter. Criteria: CeGaT Center For Human Genetics Tuebingen Variant Classification Criteria Version 2. Collection method: clinical testing. Allele origin: germline. Affected: yes. Observed: 1 variant allele.
Comment: UNC13D: PM2, BP4

Labcorp Genetics (formerly Invitae), Labcorp
Classification: Uncertain significance for Familial hemophagocytic lymphohistiocytosis 3. Last evaluated: 2022-07-06. Review status: criteria provided, single submitter. Criteria: Invitae Variant Classification Sherloc (09022015). Collection method: clinical testing. Allele origin: germline.
Comment: This sequence change falls in intron 22 of the UNC13D gene. It does not directly change the encoded amino acid sequence of the UNC13D protein. It affects a nucleotide within the consensus splice site. This variant is present in population databases (rs778809705, gnomAD 0.007%). This variant has not been reported in the literature in individuals affected with UNC13D-related conditions. ClinVar contains an entry for this variant (Variation ID: 944427). Variants that disrupt the consensus splice site are a relatively common cause of aberrant splicing (PMID: 17576681, 9536098). Algorithms developed to predict the effect of sequence changes on RNA splicing suggest that this variant may disrupt the consensus splice site. In summary, the available evidence is currently insufficient to determine the role of this variant in disease. Therefore, it has been classified as a Variant of Uncertain Significance.

Literature cited by the submitters: PubMed 17576681 (cited by Labcorp Genetics (formerly Invitae), Labcorp); PubMed 9536098 (cited by Labcorp Genetics (formerly Invitae), Labcorp).